The following is an entry in ClinVar:

ClinVar aggregate classification (germline): Conflicting classifications of pathogenicity. Review status: criteria provided, conflicting classifications (1 of 4 stars). 17 submissions from 13 submitters: Uncertain significance (9); Benign (2); Likely benign (6). Last evaluated 2025-11-24.

Conditions:
TTN-related disorder. Also called: TTN-related condition; TTN-related disease; TTN-related disorders.
Cardiovascular phenotype. Identifiers: MedGen CN230736.
Dilated cardiomyopathy 1G (CMD1G). Identifiers: Orphanet 154, MedGen C1858763, MONDO:0011400, OMIM 604145.
Autosomal recessive limb-girdle muscular dystrophy type 2J (LGMDR10). Also called: Limb-girdle muscular dystrophy, type 2J; MUSCULAR DYSTROPHY, LIMB-GIRDLE, AUTOSOMAL RECESSIVE 10. Identifiers: Orphanet 140922, MedGen C1837342, MONDO:0012127, OMIM 608807.
Early-onset myopathy with fatal cardiomyopathy (CMYO5). Also called: Salih Myopathy; CONGENITAL MYOPATHY 5 WITH CARDIOMYOPATHY. Identifiers: Orphanet 289377, MedGen C2673677, MONDO:0012714, OMIM 611705. Disease mechanism: loss of function.
Tibial muscular dystrophy (TMD). Also called: Tibial muscular dystrophy, tardive; Udd Distal Myopathy – Tibial Muscular Dystrophy; UDD MYOPATHY. Identifiers: Orphanet 609, MedGen C1838244, MONDO:0010870, OMIM 600334.
Myopathy, myofibrillar, 9, with early respiratory failure (MFM9). Also called: Myopathy, distal, with early respiratory failure, autosomal dominant; MYOPATHY, PROXIMAL, WITH EARLY RESPIRATORY MUSCLE INVOLVEMENT; Hereditary myopathy with early respiratory failure; EDSTROM MYOPATHY. Identifiers: Orphanet 178464, Orphanet 34521, MedGen C1863599, MONDO:0011362, OMIM 603689.
Hypertrophic cardiomyopathy 9. Also called: Familial hypertrophic cardiomyopathy 9. Identifiers: MedGen C1861065, MONDO:0013412, OMIM 613765.
Cardiomyopathy (CMYO). Also called: Cardiomyopathies. Identifiers: Orphanet 167848, MedGen C0878544, MONDO:0004994, HP:0001638. Inheritance: Various modes of inheritance.

Allele frequency attached by ClinVar (database versions not stated): gnomAD 0.00014 and 0.00015; ExAC 0.00015; gnomAD exomes 0.00016 and 0.00037; TOPMed 0.00016; ESP Exome Variant Server 0.00058.
gnomAD v4.1: 566 of 1,608,800 alleles (0.035%); highest among the groups gnomAD compares: Non-Finnish European, 0.045%; 1 homozygote.

Submissions (17):

Women's Health and Genetics/Laboratory Corporation of America, LabCorp
Classification: Likely benign. Last evaluated: 2025-11-24. Review status: criteria provided, single submitter. Criteria: LabCorp Variant Classification Summary - May 2015. Collection method: clinical testing. Allele origin: germline.
Comment: Variant summary: TTN c.49952A>T (p.Tyr16651Phe) results in a conservative amino acid change located in the A-band region of the encoded protein sequence. Algorithms developed to predict the effect of missense changes on protein structure and function are either unavailable or do not agree on the potential impact of this missense change. The variant allele was found at a frequency of 0.00035 in 1608800 control chromosomes, including one homozygote, and predominantly at a frequency of 0.00045 within the Non-Finnish European subpopulation in the gnomAD database. The observed variant frequency within Non-Finnish European control individuals in the gnomAD database exceeds the estimated maximal expected allele frequency for disease-causing variants in TTN. To our knowledge, no occurrence of c.49952A>T in individuals affected with TTN-related conditions and no experimental evidence demonstrating its impact on protein function have been reported. ClinVar contains an entry for this variant (Variation ID: 202731). Based on the evidence outlined above, the variant was classified as likely benign.

PreventionGenetics, part of Exact Sciences
Classification: Likely benign for TTN-related condition. Last evaluated: 2025-05-21. Review status: criteria provided, single submitter. Criteria: ACMG Guidelines, 2015. Collection method: clinical testing. Allele origin: germline.
Comment: This variant is classified as likely benign based on ACMG/AMP sequence variant interpretation guidelines (Richards et al. 2015 PMID: 25741868, with internal and published modifications).

Blueprint Genetics
Classification: Likely benign. Last evaluated: 2024-06-13. Review status: criteria provided, single submitter. Criteria: ACMG Guidelines, 2015. Collection method: clinical testing. Allele origin: germline.

Mayo Clinic Laboratories, Mayo Clinic
Classification: Uncertain significance. Last evaluated: 2023-09-07. Review status: criteria provided, single submitter. Criteria: ACMG Guidelines, 2015. Collection method: clinical testing. Allele origin: germline. Observed: 1 variant allele.

CHEO Genetics Diagnostic Laboratory, Children's Hospital of Eastern Ontario
Classification: Likely benign for Cardiomyopathy. Last evaluated: 2023-03-16. Review status: criteria provided, single submitter. Criteria: ACMG Guidelines, 2015. Collection method: clinical testing. Allele origin: germline.

Revvity Omics, Revvity
Classification: Uncertain significance. Last evaluated: 2022-07-11. Review status: criteria provided, single submitter. Criteria: ACMG Guidelines, 2015. Collection method: clinical testing. Allele origin: germline.

GeneDx
Classification: Likely benign. Last evaluated: 2020-11-18. Review status: criteria provided, single submitter. Criteria: GeneDx Variant Classification Process June 2021. Collection method: clinical testing. Allele origin: germline. Affected: yes.

Ambry Genetics
Classification: Likely benign for Cardiovascular phenotype. Last evaluated: 2020-06-04. Review status: criteria provided, single submitter. Criteria: Ambry Variant Classification Scheme 2023. Collection method: clinical testing. Allele origin: germline.

Fulgent Genetics
Classification: Uncertain significance for Tibial muscular dystrophy; Myopathy, myofibrillar, 9, with early respiratory failure; Dilated cardiomyopathy 1G; Autosomal recessive limb-girdle muscular dystrophy type 2J; Early-onset myopathy with fatal cardiomyopathy; Hypertrophic cardiomyopathy 9. Last evaluated: 2018-10-31. Review status: criteria provided, single submitter. Criteria: ACMG Guidelines, 2015. Collection method: clinical testing. Allele origin: unknown.

Athena Diagnostics
Classification: Uncertain significance. Last evaluated: 2018-02-09. Review status: criteria provided, single submitter. Criteria: Athena Diagnostics Criteria. Collection method: clinical testing. Allele origin: germline.

Illumina Laboratory Services, Illumina
Classification: Uncertain significance for Dilated cardiomyopathy 1G. Last evaluated: 2018-01-13. Review status: criteria provided, single submitter. Criteria: ICSL Variant Classification Criteria 13 December 2019. Collection method: clinical testing. Allele origin: germline.

Illumina Laboratory Services, Illumina
Classification: Benign for Myopathy, myofibrillar, 9, with early respiratory failure. Last evaluated: 2018-01-13. Review status: criteria provided, single submitter. Criteria: ICSL Variant Classification Criteria 13 December 2019. Collection method: clinical testing. Allele origin: germline.
Comment: This variant was observed in the ICSL laboratory as part of a predisposition screen in an ostensibly healthy population. It had not been previously curated by ICSL or reported in the Human Gene Mutation Database (HGMD: prior to June 1st, 2018), and was therefore a candidate for classification through an automated scoring system. Utilizing variant allele frequency, disease prevalence and penetrance estimates, and inheritance mode, an automated score was calculated to assess if this variant is too frequent to cause the disease. Based on the score and internal cut-off values, a variant classified as benign is not then subjected to further curation. The score for this variant resulted in a classification of benign for this disease.

Illumina Laboratory Services, Illumina
Classification: Uncertain significance for Early-onset myopathy with fatal cardiomyopathy. Last evaluated: 2018-01-13. Review status: criteria provided, single submitter. Criteria: ICSL Variant Classification Criteria 13 December 2019. Collection method: clinical testing. Allele origin: germline.

Illumina Laboratory Services, Illumina
Classification: Benign for Tibial muscular dystrophy. Last evaluated: 2018-01-13. Review status: criteria provided, single submitter. Criteria: ICSL Variant Classification Criteria 13 December 2019. Collection method: clinical testing. Allele origin: germline.
Comment: the same text as in the submission from Illumina Laboratory Services, Illumina above.

Illumina Laboratory Services, Illumina
Classification: Uncertain significance for Autosomal recessive limb-girdle muscular dystrophy type 2J. Last evaluated: 2018-01-13. Review status: criteria provided, single submitter. Criteria: ICSL Variant Classification Criteria 13 December 2019. Collection method: clinical testing. Allele origin: germline.

Eurofins Ntd Llc (ga)
Classification: Uncertain significance. Last evaluated: 2017-06-06. Review status: criteria provided, single submitter. Criteria: EGL Classification Definitions 2015. Collection method: clinical testing. Allele origin: germline. Observed: 7 variant alleles, 7 heterozygotes.

Labcorp Genetics (formerly Invitae), Labcorp
Classification: Uncertain significance for Dilated cardiomyopathy 1G; Autosomal recessive limb-girdle muscular dystrophy type 2J. Last evaluated: 2017-05-08. Review status: criteria provided, single submitter. Criteria: Invitae Variant Classification Sherloc (09022015). Collection method: clinical testing. Allele origin: germline.

NM_001267550.2(TTN):c.57656A>T (p.Tyr19219Phe)

Genes: TTN (titin; minus strand), TTN-AS1 (TTN antisense RNA 1; plus strand). Cytogenetic location: 2q31.2.
Variant type: single nucleotide variant.
Coding change: c.57656A>T on transcript NM_001267550.2 (MANE Select); coding-DNA position 57656, A replaced by T.
Protein change: p.Tyr19219Phe; replaces tyrosine 19219 with phenylalanine.
Molecular consequence: missense variant.
Genome position (GRCh38, 1-based): chr2:178,595,698, T>A on the plus strand (A>T on the coding strand, the complement: TTN is on the minus strand). VCF-style: chr2-178595698-T-A. GRCh37 (hg19) VCF-style: chr2-179460425-T-A.
Other names: p.Y17578F:TAT>TTT; p.Tyr17578Phe; c.52733A>T, p.Tyr17578Phe (NM_001256850.1); c.30461A>T, p.Tyr10154Phe (NM_003319.4); c.49952A>T, p.Tyr16651Phe (NM_133378.4); c.30836A>T, p.Tyr10279Phe (NM_133432.3); c.31037A>T, p.Tyr10346Phe (NM_133437.4); c.57656A>T (LRG_391t1); short protein forms Y17578F, Y19219F, Y16651F, Y10154F, Y10346F, Y10279F.
Identifiers: ClinVar variation 202731 (VCV000202731.25), dbSNP rs201541213, ClinGen allele CA310113.